The following is an entry in ClinVar:

ClinVar aggregate classification (germline): Uncertain significance. Review status: criteria provided, multiple submitters, no conflicts (2 of 4 stars). 5 submissions from 5 submitters: Uncertain significance (5). Last evaluated 2026-09-04.

Conditions:
PEX6-related disorder. Also called: PEX6-related condition; PEX6-related disorders.
Inborn genetic diseases. Identifiers: MedGen C0950123, MeSH D030342.
Peroxisome biogenesis disorder. Identifiers: Orphanet 79189, MedGen C1832200, MONDO:0019234. Disease mechanism: loss of function.

Allele frequency attached by ClinVar (database versions not stated): gnomAD 0.00004 and 0.00005; TOPMed 0.00006; ESP Exome Variant Server 0.00008.
gnomAD v4.1: 71 of 1,613,714 alleles (0.0044%); highest among the groups gnomAD compares: East Asian, 0.047%; no homozygotes.

Submissions (5):

PreventionGenetics, part of Exact Sciences
Classification: Uncertain significance for PEX6-related condition. Last evaluated: 2026-09-04. Review status: criteria provided, single submitter. Criteria: ACMG Guidelines, 2015. Collection method: clinical testing. Allele origin: germline.
Comment: The PEX6 c.2906G>A variant is predicted to result in the amino acid substitution p.Arg969Gln. To our knowledge, this variant has not been reported in the literature. This variant is reported in 0.014% of alleles in individuals of Latino descent in gnomAD. At this time, the clinical significance of this variant is uncertain due to the absence of conclusive functional and genetic evidence.

Blueprint Genetics
Classification: Uncertain significance. Last evaluated: 2024-01-29. Review status: criteria provided, single submitter. Criteria: ACMG Guidelines, 2015. Collection method: clinical testing. Allele origin: germline.

Labcorp Genetics (formerly Invitae), Labcorp
Classification: Uncertain significance for Peroxisome biogenesis disorder. Last evaluated: 2022-10-17. Review status: criteria provided, single submitter. Criteria: Invitae Variant Classification Sherloc (09022015). Collection method: clinical testing. Allele origin: germline.
Comment: This sequence change replaces arginine, which is basic and polar, with glutamine, which is neutral and polar, at codon 969 of the PEX6 protein (p.Arg969Gln). The frequency data for this variant in the population databases is considered unreliable, as metrics indicate poor data quality at this position in the gnomAD database. This variant has not been reported in the literature in individuals affected with PEX6-related conditions. ClinVar contains an entry for this variant (Variation ID: 499342). Advanced modeling of protein sequence and biophysical properties (such as structural, functional, and spatial information, amino acid conservation, physicochemical variation, residue mobility, and thermodynamic stability) has been performed at Invitae for this missense variant, however the output from this modeling did not meet the statistical confidence thresholds required to predict the impact of this variant on PEX6 protein function. In summary, the available evidence is currently insufficient to determine the role of this variant in disease. Therefore, it has been classified as a Variant of Uncertain Significance.

Ambry Genetics
Classification: Uncertain significance for Inborn genetic diseases. Last evaluated: 2022-06-03. Review status: criteria provided, single submitter. Criteria: Ambry Variant Classification Scheme 2023. Collection method: clinical testing. Allele origin: germline.

Eurofins Ntd Llc (ga)
Classification: Uncertain significance. Last evaluated: 2016-12-20. Review status: criteria provided, single submitter. Criteria: EGL Classification Definitions 2015. Collection method: clinical testing. Allele origin: germline. Observed: 1 variant allele, 1 heterozygote.

NM_000287.4(PEX6):c.2906G>A (p.Arg969Gln)

Gene: PEX6 (peroxisomal biogenesis factor 6; minus strand). Cytogenetic location: 6p21.1.
Variant type: single nucleotide variant.
Coding change: c.2906G>A on transcript NM_000287.4 (MANE Select); coding-DNA position 2906, G replaced by A.
Protein change: p.Arg969Gln; replaces arginine 969 with glutamine.
Molecular consequence: missense variant. On other transcripts: non-coding transcript variant (1).
Genome position (GRCh38, 1-based): chr6:42,964,372, C>T on the plus strand (G>A on the coding strand, the complement: PEX6 is on the minus strand). VCF-style: chr6-42964372-C-T. GRCh37 (hg19) VCF-style: chr6-42932110-C-T.
Other names: c.2642G>A, p.Arg881Gln (NM_001316313.2); c.2906G>A (NM_000287.3); short protein forms R969Q, R881Q.
Identifiers: ClinVar variation 499342 (VCV000499342.10), dbSNP rs374426032, ClinGen allele CA3810869.
Genomic context (GRCh38, chr6:42,964,372, plus strand): 5'-GGGTCCCAGACCCTGGGGGGCTCCTAGCAGGCAGCAAACTTGCGCTGGATGCGCTTGTAC[C>T]GGAGCAGCTCCTGCTCACTGACTGAGGGTTGCAGCCGGGCGGCAGCCTGCAGCAAGTCCT-3'
Protein context (NP_000278.3, residues 959-979): QPSVSEQELL[Arg969Gln]YKRIQRKFAA